The following is an entry in ClinVar:

ClinVar aggregate classification (germline): Uncertain significance (1 of 4 stars; one submission).

Conditions:
Deficiency of alpha-mannosidase (MANSA). Also called: LYSOSOMAL ALPHA-D-MANNOSIDASE DEFICIENCY; Alpha-Mannosidosis; Mannosidosis, alpha-, types I and II. Identifiers: Orphanet 61, MedGen C0024748, MONDO:0009561, OMIM 248500.

Allele frequency attached by ClinVar (database versions not stated): TOPMed below 0.00001; gnomAD exomes 0.00002.
gnomAD v4.1: 26 of 1,606,418 alleles (0.0016%); highest among the groups gnomAD compares: Non-Finnish European, 0.0021%; no homozygotes.

Submission:

Labcorp Genetics (formerly Invitae), Labcorp
Classification: Uncertain significance for Deficiency of alpha-mannosidase. Last evaluated: 2022-02-18. Review status: criteria provided, single submitter. Criteria: Invitae Variant Classification Sherloc (09022015). Collection method: clinical testing. Allele origin: germline.
Comment: This sequence change replaces valine, which is neutral and non-polar, with methionine, which is neutral and non-polar, at codon 143 of the MAN2B1 protein (p.Val143Met). This variant is not present in population databases (gnomAD no frequency). This variant has not been reported in the literature in individuals affected with MAN2B1-related conditions. Advanced modeling of protein sequence and biophysical properties (such as structural, functional, and spatial information, amino acid conservation, physicochemical variation, residue mobility, and thermodynamic stability) performed at Invitae indicates that this missense variant is expected to disrupt MAN2B1 protein function. In summary, the available evidence is currently insufficient to determine the role of this variant in disease. Therefore, it has been classified as a Variant of Uncertain Significance.

NM_000528.4(MAN2B1):c.427G>A (p.Val143Met)

Gene: MAN2B1 (mannosidase alpha class 2B member 1; minus strand). Cytogenetic location: 19p13.13.
Variant type: single nucleotide variant.
Coding change: c.427G>A on transcript NM_000528.4 (MANE Select); coding-DNA position 427, G replaced by A.
Protein change: p.Val143Met; replaces valine 143 with methionine.
Molecular consequence: missense variant.
Genome position (GRCh38, 1-based): chr19:12,665,361, C>T on the plus strand (G>A on the coding strand, the complement: MAN2B1 is on the minus strand). VCF-style: chr19-12665361-C-T. GRCh37 (hg19) VCF-style: chr19-12776175-C-T.
Other names: c.427G>A, p.Val143Met (NM_001173498.2); short protein forms V143M.
Identifiers: ClinVar variation 2141997 (VCV002141997.1), dbSNP rs1420612834, ClinGen allele CA404255839.
Genomic context (GRCh38, chr19:12,665,361, plus strand): 5'-AGCAGAAGCTGGGCTGGGCTTCCTCTTTTCACTTCCTTGGGGTAGGCTCACCCTGGCGCA[C>T]AAGGTCTCGCACGACTTCCTGTGTGGCATTTGTCTGCTGGTGCCACCAACGGGAGAAGAA-3'
Protein context (NP_000519.2, residues 133-153): NATQEVVRDL[Val143Met]RQGRLEFANG